The following is an entry in ClinVar:

NM_001017420.3(ESCO2):c.392_393insAGGATTCTCAAATT (p.Cys132fs)

Gene: ESCO2 (establishment of sister chromatid cohesion N-acetyltransferase 2; plus strand). Cytogenetic location: 8p21.1.
Variant type: Insertion.
Coding change: c.392_393insAGGATTCTCAAATT on transcript NM_001017420.3 (MANE Select); coding-DNA positions 392 to 393, AGGATTCTCAAATT inserted.
Protein change: p.Cys132fs; shifts the reading frame from cysteine 132.
Molecular consequence: frameshift variant.
Genome position: GRCh38 VCF-style: chr8-27776699-G-GTAGGATTCTCAAAT. GRCh37 (hg19) VCF-style: chr8-27634216-G-GTAGGATTCTCAAAT.
Other names: short protein forms C132fs.
Identifiers: ClinVar variation 4814529 (VCV004814529.1).
Genomic context (GRCh38, chr8:27,776,699, plus strand): 5'-AAAACTAATGATGAAGATAAATCTTTTCCCATTGTGACAGAAAAAATGCAAGGAAAACCA[G>GTAGGATTCTCAAAT]TCTGCTCCAAGAAGAACAACAAAAAACCACAGAAGAGTTTAACTGCTAAGTATCAACCAA-3'

ClinVar aggregate classification (germline): Likely pathogenic (1 of 4 stars; one submission).

Conditions:
Roberts-SC phocomelia syndrome (RBS). Also called: Pseudothalidomide syndrome; Appelt-Gerken-Lenz syndrome; Hypomelia hypotrichosis facial hemangioma syndrome; LONG BONE DEFICIENCIES ASSOCIATED WITH CLEFT LIP-PALATE; ESCO2 Spectrum Disorder. Identifiers: Orphanet 3103, MedGen C0392475, MONDO:0100253, OMIM 268300.

Submission:

Natera, Inc.
Classification: Likely pathogenic for Roberts syndrome. Last evaluated: 2025-10-29. Review status: criteria provided, single submitter. Criteria: Natera Variant Classification Schema (03/2026). Collection method: clinical testing. Allele origin: germline.
Comment: The c.392_393insAGGATTCTCAAATT variant in ESCO2 is a frameshift variant predicted to shift the reading frame beginning at codon 132 and leads to a stop codon 18 codons downstream. This variant is expected to result in nonsense mediated decay, truncation, or a dysfunctional protein product. This variant is rare in the general population with a frequency below the threshold expected for the associated phenotype(s). Given the available evidence, this variant is classified as Likely Pathogenic.